The following is an entry in ClinVar:

NM_000836.4(GRIN2D):c.478A>G (p.Thr160Ala)

Gene: GRIN2D (glutamate ionotropic receptor NMDA type subunit 2D; plus strand). Cytogenetic location: 19q13.33.
Variant type: single nucleotide variant.
Coding change: c.478A>G on transcript NM_000836.4 (MANE Select); coding-DNA position 478, A replaced by G.
Protein change: p.Thr160Ala; replaces threonine 160 with alanine.
Molecular consequence: missense variant.
Genome position (GRCh38, 1-based): chr19:48,404,746, A>G. VCF-style: chr19-48404746-A-G. GRCh37 (hg19) VCF-style: chr19-48908003-A-G.
Other names: short protein forms T160A.
Identifiers: ClinVar variation 2962483 (VCV002962483.3), dbSNP rs1315851027, ClinGen allele CA406690566.
Genomic context (GRCh38, chr19:48,404,746, plus strand): 5'-TAAGGTCCCCACATCGGCAGGCCTGACATCCTCCTCCCTCCCTGGCAGGAGAAGGGCTCC[A>G]CCTTCCTGCAGCTGGGCTCTTCCACCGAGCAACAGCTTCAGGTCATCTTTGAGGTGCTGG-3'
Protein context (NP_000827.2, residues 150-170): LVLTPKEKGS[Thr160Ala]FLQLGSSTEQ

ClinVar aggregate classification (germline): Uncertain significance (1 of 4 stars; one submission).

Allele frequency attached by ClinVar (database versions not stated): TOPMed below 0.00001.

Submission:

Labcorp Genetics (formerly Invitae), Labcorp
Classification: Uncertain significance. Last evaluated: 2024-12-30. Review status: criteria provided, single submitter. Criteria: Invitae Variant Classification Sherloc (09022015). Collection method: clinical testing. Allele origin: germline.
Comment: This sequence change replaces threonine, which is neutral and polar, with alanine, which is neutral and non-polar, at codon 160 of the GRIN2D protein (p.Thr160Ala). This variant is not present in population databases (gnomAD no frequency). This variant has not been reported in the literature in individuals affected with GRIN2D-related conditions. ClinVar contains an entry for this variant (Variation ID: 2962483). Invitae Evidence Modeling of protein sequence and biophysical properties (such as structural, functional, and spatial information, amino acid conservation, physicochemical variation, residue mobility, and thermodynamic stability) indicates that this missense variant is not expected to disrupt GRIN2D protein function with a negative predictive value of 80%. In summary, the available evidence is currently insufficient to determine the role of this variant in disease. Therefore, it has been classified as a Variant of Uncertain Significance.